The following is an entry in ClinVar:

NM_001080516.2(GRXCR2):c.671_672insAAA (p.Lys224_Glu225insLys)

Gene: GRXCR2 (glutaredoxin and cysteine rich domain containing 2; minus strand). Cytogenetic location: 5q32.
Variant type: Insertion.
Coding change: c.671_672insAAA on transcript NM_001080516.2 (MANE Select); coding-DNA positions 671 to 672, AAA inserted.
Protein change: p.Lys224_Glu225insLys.
Molecular consequence: inframe insertion.
Genome position: GRCh38 VCF-style: chr5-145859808-C-CTTT. GRCh37 (hg19) VCF-style: chr5-145239371-C-CTTT.
Identifiers: ClinVar variation 2066670 (VCV002066670.4), dbSNP rs760103412, ClinGen allele CA3487931.

ClinVar aggregate classification (germline): Uncertain significance (1 of 4 stars; one submission).

Submission:

Labcorp Genetics (formerly Invitae), Labcorp
Classification: Uncertain significance. Last evaluated: 2025-01-23. Review status: criteria provided, single submitter. Criteria: Invitae Variant Classification Sherloc (09022015). Collection method: clinical testing. Allele origin: germline.
Comment: This variant, c.671_672insAAA, results in the insertion of 1 amino acid(s) of the GRXCR2 protein (p.Lys224dup), but otherwise preserves the integrity of the reading frame. This variant is present in population databases (rs760103412, gnomAD 0.1%). This variant has not been reported in the literature in individuals affected with GRXCR2-related conditions. ClinVar contains an entry for this variant (Variation ID: 2066670). Experimental studies and prediction algorithms are not available or were not evaluated, and the functional significance of this variant is currently unknown. In summary, the available evidence is currently insufficient to determine the role of this variant in disease. Therefore, it has been classified as a Variant of Uncertain Significance.